The following is an entry in ClinVar:

ClinVar aggregate classification (germline): Likely pathogenic (1 of 4 stars; one submission).

Submission:

Mayo Clinic Laboratories, Mayo Clinic
Classification: Likely pathogenic. Last evaluated: 2019-05-28. Review status: criteria provided, single submitter. Criteria: ACMG Guidelines, 2015. Collection method: clinical testing. Allele origin: germline. Observed: 1 variant allele.
Comment: PVS1, PM2

NM_138694.4(PKHD1):c.8461del (p.Glu2821fs)

Gene: PKHD1 (PKHD1 ciliary IPT domain containing fibrocystin/polyductin; minus strand). Cytogenetic location: 6p12.3.
Variant type: Deletion.
Coding change: c.8461del on transcript NM_138694.4 (MANE Select); coding-DNA position 8461, one base deleted (G; older notation c.8461delG).
Protein change: p.Glu2821fs; shifts the reading frame from glutamic acid 2821.
Molecular consequence: frameshift variant.
Genome position (GRCh38, 1-based): chr6:51,775,901, C deleted on the plus strand (G on the coding strand, the reverse complement: PKHD1 is on the minus strand). VCF-style (leftmost placement, unchanged base first): chr6-51775900-TC-T. GRCh37 (hg19) VCF-style: chr6-51640698-TC-T.
Other names: c.8461del, p.Glu2821fs (NM_170724.3); short protein forms E2821fs.
Identifiers: ClinVar variation 1163267 (VCV001163267.5), dbSNP rs2151160725, ClinGen allele CA2499218365.